The following is an entry in ClinVar:

ClinVar aggregate classification (germline): Likely benign (1 of 4 stars; one submission).

Allele frequency attached by ClinVar (database versions not stated): TOPMed below 0.00001; gnomAD 0.00002; 1000 Genomes Project 30x 0.00031; 1000 Genomes Project 0.00040.
gnomAD v4.1: 67 of 1,614,124 alleles (0.0042%); highest among the groups gnomAD compares: South Asian, 0.069%; 1 homozygote.

Submission:

CeGaT Center for Human Genetics Tuebingen
Classification: Likely benign. Last evaluated: 2023-02-01. Review status: criteria provided, single submitter. Criteria: CeGaT Center For Human Genetics Tuebingen Variant Classification Criteria Version 2. Collection method: clinical testing. Allele origin: germline. Affected: yes. Observed: 1 variant allele.
Comment: SPEN: BP4, BP7

NM_015001.3(SPEN):c.2196A>G (p.Arg732=)

Gene: SPEN (spen family transcriptional repressor; plus strand). Cytogenetic location: 1p36.13.
Variant type: single nucleotide variant.
Coding change: c.2196A>G on transcript NM_015001.3 (MANE Select); coding-DNA position 2196, A replaced by G.
Protein change: p.Arg732=; no amino-acid change (arginine 732 retained).
Molecular consequence: synonymous variant.
Genome position (GRCh38, 1-based): chr1:15,928,436, A>G. VCF-style: chr1-15928436-A-G. GRCh37 (hg19) VCF-style: chr1-16254931-A-G.
Identifiers: ClinVar variation 2638307 (VCV002638307.24), dbSNP rs555715522, ClinGen allele CA619224.